The following is an entry in ClinVar:

ClinVar aggregate classification (germline): Uncertain significance (1 of 4 stars; one submission).

Conditions:
Spongy degeneration of central nervous system. Also called: ACY2 DEFICIENCY; AMINOACYLASE 2 DEFICIENCY; ASP DEFICIENCY; ASPA DEFICIENCY; ASPARTOACYLASE DEFICIENCY; CANAVAN-VAN BOGAERT-BERTRAND DISEASE. Identifiers: Orphanet 141, MedGen C0206307, MONDO:0010079, OMIM 271900.

gnomAD v4.1: 4 of 1,614,022 alleles (0.00025%); highest among the groups gnomAD compares: Non-Finnish European, 0.00034%; no homozygotes.

Submission:

Labcorp Genetics (formerly Invitae), Labcorp
Classification: Uncertain significance for Spongy degeneration of central nervous system. Last evaluated: 2021-12-02. Review status: criteria provided, single submitter. Criteria: Invitae Variant Classification Sherloc (09022015). Collection method: clinical testing. Allele origin: germline.
Comment: This sequence change replaces alanine, which is neutral and non-polar, with threonine, which is neutral and polar, at codon 165 of the ASPA protein (p.Ala165Thr). This variant is not present in population databases (gnomAD no frequency). This variant has not been reported in the literature in individuals affected with ASPA-related conditions. Advanced modeling of protein sequence and biophysical properties (such as structural, functional, and spatial information, amino acid conservation, physicochemical variation, residue mobility, and thermodynamic stability) performed at Invitae indicates that this missense variant is not expected to disrupt ASPA protein function. In summary, the available evidence is currently insufficient to determine the role of this variant in disease. Therefore, it has been classified as a Variant of Uncertain Significance.

NM_000049.4(ASPA):c.493G>A (p.Ala165Thr)

Genes: ASPA (aspartoacylase; plus strand), SPATA22 (spermatogenesis associated 22; minus strand). Cytogenetic location: 17p13.2.
Variant type: single nucleotide variant.
Coding change: c.493G>A on transcript NM_000049.4 (MANE Select); coding-DNA position 493, G replaced by A.
Protein change: p.Ala165Thr; replaces alanine 165 with threonine.
Molecular consequence: missense variant. On other transcripts: intron variant (2).
Genome position (GRCh38, 1-based): chr17:3,483,559, G>A. VCF-style: chr17-3483559-G-A. GRCh37 (hg19) VCF-style: chr17-3386853-G-A.
Other names: c.493G>A, p.Ala165Thr (NM_001128085.1); c.-73-14161C>T (NM_001321336.2, NM_001321337.2); short protein forms A165T.
Identifiers: ClinVar variation 1419733 (VCV001419733.4), dbSNP rs2150748669, ClinGen allele CA397682805.
Genomic context (GRCh38, chr17:3,483,559, plus strand): 5'-ACTTCTCTGGCTCCACTACCCTGCTACGTTTATCTGATTGAGCATCCTTCCCTCAAATAT[G>A]CGACCACTCGTTCCATAGCCAAGTATCCTGTGGGTAAGTCATAGTTCCCACTGTCATAAC-3'
Protein context (NP_000040.1, residues 155-175): YLIEHPSLKY[Ala165Thr]TTRSIAKYPV